The following is an entry in ClinVar:

ClinVar aggregate classification (germline): Pathogenic (1 of 4 stars; one submission).

Submission:

CeGaT Center for Human Genetics Tuebingen
Classification: Pathogenic. Last evaluated: 2024-03-01. Review status: criteria provided, single submitter. Criteria: CeGaT Center For Human Genetics Tuebingen Variant Classification Criteria Version 2. Collection method: clinical testing. Allele origin: germline. Affected: yes. Observed: 1 variant allele.
Comment: KCNQ2: PVS1, PM2

NM_172107.4(KCNQ2):c.1772_1781del (p.Gln591fs)

Gene: KCNQ2 (potassium voltage-gated channel subfamily Q member 2; minus strand). Cytogenetic location: 20q13.33.
Variant type: Deletion.
Coding change: c.1772_1781del on transcript NM_172107.4 (MANE Select); coding-DNA positions 1772 to 1781, 10 bases deleted (AGATCGTGGG; older notation c.1772_1781delAGATCGTGGG).
Protein change: p.Gln591fs; shifts the reading frame from glutamine 591.
Molecular consequence: frameshift variant.
Genome position (GRCh38, 1-based): chr20:63,408,519-63,408,528, CCCACGATCT deleted on the plus strand (AGATCGTGGG on the coding strand, the reverse complement: KCNQ2 is on the minus strand). VCF-style (leftmost placement, unchanged base first): chr20-63408518-CCCCACGATCT-C. GRCh37 (hg19) VCF-style: chr20-62039871-CCCCACGATCT-C.
Other names: c.1826_1835del, p.Gln609fs (NM_001382235.1); c.1688_1697del, p.Gln563fs (NM_004518.6); c.1718_1727del, p.Gln573fs (NM_172106.3); c.1679_1688del, p.Gln560fs (NM_172108.5); short protein forms Q560fs, Q563fs, Q573fs, Q591fs, Q609fs.
Identifiers: ClinVar variation 3067802 (VCV003067802.21), dbSNP rs2516119319, ClinGen allele CA2825002845.